The following is an entry in ClinVar:

ClinVar aggregate classification (germline): Conflicting classifications of pathogenicity. Review status: criteria provided, conflicting classifications (1 of 4 stars). 3 submissions from 3 submitters: Uncertain significance (1); Likely benign (1). 1 of the submissions does not count toward it. Last evaluated 2026-01-13.

Conditions:
Niemann-Pick disease, type C1. Also called: NEUROVISCERAL STORAGE DISEASE WITH VERTICAL SUPRANUCLEAR OPHTHALMOPLEGIA; NIEMANN-PICK DISEASE WITH CHOLESTEROL ESTERIFICATION BLOCK; NIEMANN-PICK DISEASE WITHOUT SPHINGOMYELINASE DEFICIENCY; NIEMANN-PICK DISEASE, CHRONIC NEURONOPATHIC FORM; NIEMANN-PICK DISEASE, VARIANT TYPE C1. Identifiers: Orphanet 646, MedGen C3179455, MONDO:0009757, OMIM 257220.
NPC1-related disorder. Also called: NPC1-related condition.

Allele frequency attached by ClinVar (database versions not stated): gnomAD 0.00006; gnomAD exomes 0.00006 and 0.00011; TOPMed 0.00007; ExAC 0.00009.
gnomAD v4.1: 92 of 1,614,128 alleles (0.0057%); highest among the groups gnomAD compares: Middle Eastern, 0.016%; 1 homozygote.

Submissions (3):

Labcorp Genetics (formerly Invitae), Labcorp
Classification: Likely benign for Niemann-Pick disease, type C1. Last evaluated: 2026-01-13. Review status: criteria provided, single submitter. Criteria: Invitae Variant Classification Sherloc (09022015). Collection method: clinical testing. Allele origin: germline.

New York Genome Center
Classification: Uncertain significance for Niemann-Pick disease, type C1. Last evaluated: 2022-01-07. Review status: criteria provided, single submitter. Criteria: NYGC Assertion Criteria 2020. Collection method: clinical testing. Allele origin: germline. Observed: 1 heterozygote. Study: CSER-NYCKidSeq.

PreventionGenetics, part of Exact Sciences
Classification: Uncertain significance for NPC1-related condition. Last evaluated: 2024-05-24. Review status: no assertion criteria provided. Collection method: clinical testing. Allele origin: germline. Not counted in ClinVar's aggregate classification.
Comment: The NPC1 c.2359A>G variant is predicted to result in the amino acid substitution p.Ile787Val. The p.Ile787Val change was previously described in the heterozygous state in an individual with liver cirrhosis; no second potentially causative variant was identified (Feng et al. 2019. PubMed ID: 31635081). This variant is reported in 0.022% of alleles in individuals of European (Non-Finnish) descent in gnomAD. At this time, the clinical significance of this variant is uncertain due to the absence of conclusive functional and genetic evidence.

NM_000271.5(NPC1):c.2359A>G (p.Ile787Val)

Gene: NPC1 (NPC intracellular cholesterol transporter 1; minus strand). Cytogenetic location: 18q11.2.
Variant type: single nucleotide variant.
Coding change: c.2359A>G on transcript NM_000271.5 (MANE Select); coding-DNA position 2359, A replaced by G.
Protein change: p.Ile787Val; replaces isoleucine 787 with valine.
Molecular consequence: missense variant.
Genome position (GRCh38, 1-based): chr18:23,541,320, T>C on the plus strand (A>G on the coding strand, the complement: NPC1 is on the minus strand). VCF-style: chr18-23541320-T-C. GRCh37 (hg19) VCF-style: chr18-21121284-T-C.
Other names: short protein forms I787V.
Identifiers: ClinVar variation 833679 (VCV000833679.13), dbSNP rs202046984, ClinGen allele CA8913137.
Genomic context (GRCh38, chr18:23,541,320, plus strand): 5'-ATTCTAGACTCAAATTAAATAGACTATAATCCTGGCACCAACTTACCTCTTGACGTTTAA[T>C]GTCTAACCCCAAGAGACTCACGAAACAGGTAATCTGCAGAAGAAAGTCAATGAAGACTGC-3'
Protein context (NP_000262.2, residues 777-797): TCFVSLLGLD[Ile787Val]KRQEKNRLDI